The following is an entry in ClinVar:

ClinVar aggregate classification (germline): Pathogenic. Review status: reviewed by expert panel (3 of 4 stars). 7 submissions from 7 submitters: Pathogenic (1). 6 of the submissions do not count toward it. Last evaluated 2017-12-15.

Conditions:
Hereditary cancer-predisposing syndrome. Also called: Tumor predisposition; Neoplastic Syndromes, Hereditary; Hereditary Cancer Syndrome; Hereditary neoplastic syndrome. Identifiers: Orphanet 140162, MedGen C0027672, MeSH D009386, MONDO:0015356.
Hereditary breast ovarian cancer syndrome. Also called: Hereditary breast and ovarian cancer syndrome (HBOC); Hereditary breast and ovarian cancer syndrome; Hereditary breast and ovarian cancer; Hereditary breast and/or ovarian cancer syndrome; Breast and ovarian cancer; BRCA1- and BRCA2-Associated Hereditary Breast and Ovarian Cancer. Identifiers: Orphanet 145, MedGen C0677776, MeSH D061325, MONDO:0003582. Disease mechanism: loss of function.
Breast-ovarian cancer, familial, susceptibility to, 1 (BROVCA1). Also called: OVARIAN CANCER, SUSCEPTIBILITY TO; BRCA1 Hereditary Breast and Ovarian Cancer. Identifiers: Orphanet 145, MedGen C2676676, MONDO:0011450, OMIM 604370. Disease mechanism: loss of function.
Familial cancer of breast. Also called: Hereditary breast cancer; hereditary breast carcinoma; BREAST CANCER, FAMILIAL. Identifiers: Orphanet 227535, MedGen C0346153, MONDO:0016419, OMIM 114480. Disease mechanism: loss of function.

Submissions (7):

Evidence-based Network for the Interpretation of Germline Mutant Alleles (ENIGMA)
Classification: Pathogenic for Breast-ovarian cancer, familial, susceptibility to, 1. Last evaluated: 2017-12-15. Review status: reviewed by expert panel. Criteria: ENIGMA BRCA1/2 Classification Criteria (2017-06-29). Collection method: curation. Allele origin: germline. Study: ENIGMA.
Comment: Variant allele predicted to encode a truncated non-functional protein.

Labcorp Genetics (formerly Invitae), Labcorp
Classification: Pathogenic for Hereditary breast ovarian cancer syndrome. Last evaluated: 2025-07-14. Review status: criteria provided, single submitter. Criteria: Invitae Variant Classification Sherloc (09022015). Collection method: clinical testing. Allele origin: germline. Not counted in ClinVar's aggregate classification.
Comment: This sequence change creates a premature translational stop signal (p.Phe829*) in the BRCA1 gene. It is expected to result in an absent or disrupted protein product. Loss-of-function variants in BRCA1 are known to be pathogenic (PMID: 20104584). This variant is not present in population databases (gnomAD no frequency). This premature translational stop signal has been observed in individual(s) with epithelial ovarian cancer (PMID: 30103829). ClinVar contains an entry for this variant (Variation ID: 54583). For these reasons, this variant has been classified as Pathogenic.

Dasa
Classification: Pathogenic for Breast-ovarian cancer, familial, susceptibility to, 1. Last evaluated: 2025-05-15. Review status: criteria provided, single submitter. Criteria: DASA Assertion Criteria. Collection method: clinical testing. Allele origin: germline. Not counted in ClinVar's aggregate classification.
Comment: NM_007294.4(BRCA1):c.2486_2487del (p.Phe829*) is a nonsense variant in BRCA1 predicted to introduce a premature termination codon and is predicted to result in an absent or altered protein product. Loss of function is an established disease mechanism for BRCA1 (PMID: 32375709; PMID: 21989022; PMID: 11802209). The affected residue or protein region has prior evidence supporting clinical relevance. Also, this variant is absent from population databases. Based on the currently available evidence, this variant is classified as pathogenic.

Color Diagnostics, LLC DBA Color Health
Classification: Pathogenic for Hereditary cancer-predisposing syndrome. Last evaluated: 2024-06-18. Review status: criteria provided, single submitter. Criteria: ACMG Guidelines, 2015. Collection method: clinical testing. Allele origin: germline. Not counted in ClinVar's aggregate classification.
Comment: This variant deletes 2 nucleotides in exon 10 of the BRCA1 gene, creating a frameshift and premature translation stop signal. This variant is expected to result in an absent or non-functional protein product. To our knowledge, functional studies have not been reported for this variant. This variant has been reported in at least four individuals affected with breast and ovarian cancer (PMID: 16616110, 20859677, 30103829; Color internal data). This variant has not been identified in the general population by the Genome Aggregation Database (gnomAD). Loss of BRCA1 function is a known mechanism of disease. Based on the available evidence, this variant is classified as Pathogenic.

Clinical Genetics Laboratory, Skane University Hospital Lund
Classification: Pathogenic. Last evaluated: 2022-10-05. Review status: criteria provided, single submitter. Criteria: ACMG Guidelines, 2015. Collection method: clinical testing. Allele origin: germline. Affected: yes. Not counted in ClinVar's aggregate classification.

Ambry Genetics
Classification: Pathogenic for Hereditary cancer-predisposing syndrome. Last evaluated: 2021-09-01. Review status: criteria provided, single submitter. Criteria: Ambry Variant Classification Scheme 2023. Collection method: clinical testing. Allele origin: germline. Not counted in ClinVar's aggregate classification.
Comment: The c.2486_2487delTT pathogenic mutation, located in coding exon 9 of the BRCA1 gene, results from a deletion of two nucleotides at nucleotide positions 2486 to 2487, causing a translational frameshift with a predicted alternate stop codon (p.F829*). This alteration has been reported in multiple Chilean breast and/or ovarian cancer families (Jara L et al. Cancer Genet. Cytogenet., 2006 Apr;166:36-45; Gonzalez-Hormazabal P et al. Breast Cancer Res. Treat., 2011 Apr;126:705-16; Alvarez C et al. Oncotarget, 2017 Sep;8:74233-74243; Cardoso FC et al. Hum Genomics, 2018 08;12:39). In addition to the clinical data presented in the literature, this alteration is expected to result in loss of function by premature protein truncation or nonsense-mediated mRNA decay. As such, this alteration is interpreted as a disease-causing mutation.

ClinVar Staff, National Center for Biotechnology Information (NCBI)
No classification provided. Condition: Familial cancer of breast. Review status: no classification provided. Collection method: literature only. Allele origin: germline. Affected: yes. Not counted in ClinVar's aggregate classification.

Literature cited by the submitters: PubMed 20104584 (cited by Labcorp Genetics (formerly Invitae), Labcorp); PubMed 30103829 (cited by 3 submitters); PubMed 32375709 (cited by Dasa); PubMed 21989022 (cited by Dasa); PubMed 11802209 (cited by Dasa); PubMed 16616110 (cited by 3 submitters); PubMed 20859677 (cited by Color Diagnostics, LLC DBA Color Health and Ambry Genetics); PubMed 29088781 (cited by Ambry Genetics).

NM_007294.4(BRCA1):c.2486_2487del (p.Gly828_Phe829insTer)

Gene: BRCA1 (BRCA1 DNA repair associated; minus strand). Cytogenetic location: 17q21.31.
Variant type: Deletion.
Coding change: c.2486_2487del on transcript NM_007294.4 (MANE Select); coding-DNA positions 2486 to 2487, 2 bases deleted (TT; older notation c.2486_2487delTT).
Protein change: p.Gly828_Phe829insTer.
Molecular consequence: nonsense. On other transcripts: frameshift variant (2), intron variant (137).
Genome position (GRCh38, 1-based): chr17:43,093,044-43,093,045, AA deleted on the plus strand (TT on the coding strand, the reverse complement: BRCA1 is on the minus strand); deleting any 2 consecutive bases within chr17:43,093,044-43,093,046 gives the same sequence; the c. name uses the placement nearest the transcript's 3' end. VCF-style (leftmost placement, unchanged base first): chr17-43093043-TAA-T. GRCh37 (hg19) VCF-style: chr17-41245060-TAA-T.
Other names: c.2486_2487delTT (NM_007294.3); c.661+1699_661+1700del (NM_001408450.1, NM_001408434.1, NM_001408447.1 and 6 more transcripts); c.784+1699_784+1700del (NM_001408398.1, NM_001407992.1, NM_001408400.1 and 13 more transcripts); c.664+1699_664+1700del (NM_001408440.1, NM_001408428.1, NM_001408441.1 and 12 more transcripts); c.671-2013_671-2012del (NM_001408418.1, NM_001408423.1, NM_001408420.1 and 2 more transcripts); c.787+1699_787+1700del (NM_001407981.1, NM_007298.4, NM_001407978.1 and 17 more transcripts); c.643+1699_643+1700del (NM_001408462.1, NM_001408470.1, NM_001408464.1 and 3 more transcripts); c.709+1699_709+1700del (NM_001408414.1, NM_001408411.1, NM_001408415.1 and 2 more transcripts); and 43 more.
Identifiers: ClinVar variation 54583 (VCV000054583.24), dbSNP rs80357658, ClinGen allele CA001656.
Genomic context (GRCh38, chr17:43,093,043, plus strand): 5'-TTTCTTCCATTTCTATGCTTGTTTCCCGACTGTGGTTAACTTCATGTCCCAATGGATACT[TAA>T]AGCCTTCTGTGTCATTTCTATTATCTTTGGAACAACCATGAATTAGTCCCTTGGGGTTTT-3'